The following is an entry in ClinVar:

ClinVar aggregate classification (germline): Conflicting classifications of pathogenicity. Review status: criteria provided, conflicting classifications (1 of 4 stars). 4 submissions from 4 submitters: Uncertain significance (1); Benign (1); Likely benign (2). Last evaluated 2026-01-04.

Conditions:
Cornelia de Lange syndrome 3 (CDLS3). Also called: SMC3-Related Cornelia de Lange Syndrome; CORNELIA DE LANGE SYNDROME 3 WITH OR WITHOUT MIDLINE BRAIN DEFECTS. Identifiers: Orphanet 199, MedGen C1853099, MONDO:0012555, OMIM 610759.

Allele frequency attached by ClinVar (database versions not stated): 1000 Genomes Project 0.00140; gnomAD 0.00040 and 0.00051; ExAC 0.00105; 1000 Genomes Project 30x 0.00109; gnomAD exomes 0.00130; TOPMed 0.00138.
gnomAD v4.1: 663 of 1,336,048 alleles (0.05%); highest among the groups gnomAD compares: East Asian, 1.4%; 2 homozygotes.

Submissions (4):

Labcorp Genetics (formerly Invitae), Labcorp
Classification: Likely benign for Cornelia de Lange syndrome 3. Last evaluated: 2026-01-04. Review status: criteria provided, single submitter. Criteria: Invitae Variant Classification Sherloc (09022015). Collection method: clinical testing. Allele origin: germline.

Blueprint Genetics
Classification: Likely benign. Last evaluated: 2024-11-01. Review status: criteria provided, single submitter. Criteria: ACMG Guidelines, 2015. Collection method: clinical testing. Allele origin: germline.

Illumina Laboratory Services, Illumina
Classification: Benign for Cornelia de Lange syndrome 3. Last evaluated: 2018-01-13. Review status: criteria provided, single submitter. Criteria: ICSL Variant Classification Criteria 13 December 2019. Collection method: clinical testing. Allele origin: germline.
Comment: This variant was observed in the ICSL laboratory as part of a predisposition screen in an ostensibly healthy population. It had not been previously curated by ICSL or reported in the Human Gene Mutation Database (HGMD: prior to June 1st, 2018), and was therefore a candidate for classification through an automated scoring system. Utilizing variant allele frequency, disease prevalence and penetrance estimates, and inheritance mode, an automated score was calculated to assess if this variant is too frequent to cause the disease. Based on the score and internal cut-off values, a variant classified as benign is not then subjected to further curation. The score for this variant resulted in a classification of benign for this disease.

Genetic Services Laboratory, University of Chicago
Classification: Uncertain significance for Cornelia de Lange syndrome 3. Last evaluated: 2013-03-04. Review status: criteria provided, single submitter. Criteria: ACMG Guidelines, 2007. Collection method: clinical testing. Allele origin: germline. Inheritance: Autosomal dominant inheritance.

NM_005445.4(SMC3):c.2535+15T>G

Gene: SMC3 (structural maintenance of chromosomes 3; plus strand). Cytogenetic location: 10q25.2.
Variant type: single nucleotide variant.
Coding change: c.2535+15T>G on transcript NM_005445.4 (MANE Select); 15 bases into the intron after coding-DNA position 2535, T replaced by G.
Molecular consequence: intron variant.
Genome position (GRCh38, 1-based): chr10:110,600,561, T>G. VCF-style: chr10-110600561-T-G. GRCh37 (hg19) VCF-style: chr10-112360319-T-G.
Identifiers: ClinVar variation 159979 (VCV000159979.19), dbSNP rs3818903, ClinGen allele CA272625.
Genomic context (GRCh38, chr10:110,600,561, plus strand): 5'-TTATCTCAATGAGAATCTGAGAAAACGCTTGGACCAAGTAGAACAGGTGTGTATGTGTTT[T>G]TTTTTTTTTTTTTAAGGGCTCCTTGGTGGCCATGACCTATTGCAAGTGGTTATATCAGAG-3'